The following is an entry in ClinVar:

NM_015557.3(CHD5):c.1711A>G (p.Lys571Glu)

Gene: CHD5 (chromodomain helicase DNA binding protein 5; minus strand). Cytogenetic location: 1p36.31.
Variant type: single nucleotide variant.
Coding change: c.1711A>G on transcript NM_015557.3 (MANE Select); coding-DNA position 1711, A replaced by G.
Protein change: p.Lys571Glu; replaces lysine 571 with glutamic acid.
Molecular consequence: missense variant.
Genome position (GRCh38, 1-based): chr1:6,146,303, T>C on the plus strand (A>G on the coding strand, the complement: CHD5 is on the minus strand). VCF-style: chr1-6146303-T-C. GRCh37 (hg19) VCF-style: chr1-6206363-T-C.
Other names: short protein forms K571E.
Identifiers: ClinVar variation 3389506 (VCV003389506.14).
Genomic context (GRCh38, chr1:6,146,303, plus strand): 5'-ACTCTGGCTTGATGCCATAGCGGTAGAAGCGCTCCTCCATCTTGGCATAGAGGGGGTCCT[T>C]GTTCTTCCTCTTCTCGCTCTTGCCGTCTTCATCCCCAGAGCCGTAGTCAAAGGGGGGCGG-3'
Protein context (NP_056372.1, residues 561-581): EDGKSEKRKN[Lys571Glu]DPLYAKMEER

ClinVar aggregate classification (germline): Uncertain significance (1 of 4 stars; one submission).

Submission:

CeGaT Center for Human Genetics Tuebingen
Classification: Uncertain significance. Last evaluated: 2024-10-01. Review status: criteria provided, single submitter. Criteria: CeGaT Center For Human Genetics Tuebingen Variant Classification Criteria Version 2. Collection method: clinical testing. Allele origin: germline. Affected: yes. Observed: 1 variant allele.
Comment: CHD5: PM2